The following is an entry in ClinVar:

NM_017849.4(TMEM127):c.36_45del (p.Arg13fs)

Genes: TMEM127 (transmembrane protein 127; minus strand), LOC129934333 (ATAC-STARR-seq lymphoblastoid silent region 11759; plus strand). Cytogenetic location: 2q11.2.
Variant type: Deletion.
Coding change: c.36_45del on transcript NM_017849.4 (MANE Select); coding-DNA positions 36 to 45, 10 bases deleted (GCGCCGGCGG; older notation c.36_45delGCGCCGGCGG).
Protein change: p.Arg13fs; shifts the reading frame from arginine 13.
Molecular consequence: frameshift variant. On other transcripts: intron variant (1).
Genome position (GRCh38, 1-based): chr2:96,265,337-96,265,346, CCGCCGGCGC deleted on the plus strand (GCGCCGGCGG on the coding strand, the reverse complement: TMEM127 is on the minus strand); deleting any 10 consecutive bases within chr2:96,265,337-96,265,353 gives the same sequence; the c. name uses the placement nearest the transcript's 3' end. VCF-style (leftmost placement, unchanged base first): chr2-96265336-TCCGCCGGCGC-T. GRCh37 (hg19) VCF-style: chr2-96931074-TCCGCCGGCGC-T.
Other names: c.36_45del, p.Arg13fs (NM_001193304.3); c.-9+523_-9+532del (NM_001407283.1); short protein forms R13fs.
Identifiers: ClinVar variation 2761190 (VCV002761190.3), dbSNP rs2467286154, ClinGen allele CA2697550989.
Genomic context (GRCh38, chr2:96,265,336, plus strand): 5'-GCAGGGCCGAGGCCAGGCTACGCTCCGGCTGCTTGGGCAGAGCGCTGCCTCCCGGGCTCC[TCCGCCGGCGC>T]CCGCCGGGCAGCCCTGCGCCTCCGGGGGCGTACATGCCCGGGGCCGCCCGCCGTCGCTCC-3'

ClinVar aggregate classification (germline): Pathogenic (1 of 4 stars; one submission).

Conditions:
Hereditary pheochromocytoma and paraganglioma. Also called: Hereditary Paraganglioma-Pheochromocytoma Syndromes; Hereditary pheochromocytoma-paraganglioma; Hereditary paragangliomas and pheochromocytomas. Identifiers: Orphanet 29072, MedGen C4274332, MONDO:0017366.

Submission:

Labcorp Genetics (formerly Invitae), Labcorp
Classification: Pathogenic for Hereditary pheochromocytoma and paraganglioma. Last evaluated: 2023-09-17. Review status: criteria provided, single submitter. Criteria: Invitae Variant Classification Sherloc (09022015). Collection method: clinical testing. Allele origin: germline.
Comment: This variant has not been reported in the literature in individuals affected with TMEM127-related conditions. For these reasons, this variant has been classified as Pathogenic. This variant is not present in population databases (gnomAD no frequency). This sequence change creates a premature translational stop signal (p.Arg13Glyfs*65) in the TMEM127 gene. It is expected to result in an absent or disrupted protein product. Loss-of-function variants in TMEM127 are known to be pathogenic (PMID: 20154675, 21156949).

Literature cited by the submitters: PubMed 20154675; PubMed 21156949.